The following is an entry in ClinVar:

NM_001355436.2(SPTB):c.4550T>G (p.Met1517Arg)

Gene: SPTB (spectrin beta, erythrocytic; minus strand). Cytogenetic location: 14q23.3.
Variant type: single nucleotide variant.
Coding change: c.4550T>G on transcript NM_001355436.2 (MANE Select); coding-DNA position 4550, T replaced by G.
Protein change: p.Met1517Arg; replaces methionine 1517 with arginine.
Molecular consequence: missense variant.
Genome position (GRCh38, 1-based): chr14:64,779,170, A>C on the plus strand (T>G on the coding strand, the complement: SPTB is on the minus strand). VCF-style: chr14-64779170-A-C. GRCh37 (hg19) VCF-style: chr14-65245888-A-C.
Other names: p.Met1517Arg; c.4550T>G, p.Met1517Arg (NM_001024858.4, NM_001355437.2); short protein forms M1517R.
Identifiers: ClinVar variation 2071721 (VCV002071721.30), dbSNP rs146588994, ClinGen allele CA7230280.

ClinVar aggregate classification (germline): Uncertain significance. Review status: criteria provided, multiple submitters, no conflicts (2 of 4 stars). 4 submissions from 4 submitters: Uncertain significance (4). Last evaluated 2026-01-06.

Allele frequency attached by ClinVar (database versions not stated): ESP Exome Variant Server 0.00015.

Submissions (4):

Labcorp Genetics (formerly Invitae), Labcorp
Classification: Uncertain significance. Last evaluated: 2026-01-06. Review status: criteria provided, single submitter. Criteria: Invitae Variant Classification Sherloc (09022015). Collection method: clinical testing. Allele origin: germline.
Comment: This sequence change replaces methionine, which is neutral and non-polar, with arginine, which is basic and polar, at codon 1517 of the SPTB protein (p.Met1517Arg). This variant is present in population databases (rs146588994, gnomAD 0.02%). This variant has not been reported in the literature in individuals affected with SPTB-related conditions. ClinVar contains an entry for this variant (Variation ID: 2071721). An algorithm developed to predict the effect of missense changes on protein structure and function (PolyPhen-2) suggests that this variant is likely to be tolerated. In summary, the available evidence is currently insufficient to determine the role of this variant in disease. Therefore, it has been classified as a Variant of Uncertain Significance.

Revvity Omics, Revvity
Classification: Uncertain significance. Last evaluated: 2024-11-14. Review status: criteria provided, single submitter. Criteria: ACMG Guidelines, 2015. Collection method: clinical testing. Allele origin: germline.

Mayo Clinic Laboratories, Mayo Clinic
Classification: Uncertain significance. Last evaluated: 2024-08-23. Review status: criteria provided, single submitter. Criteria: ACMG Guidelines, 2015. Collection method: clinical testing. Allele origin: germline. Observed: 2 variant alleles.
Comment: BS1, BP4

CeGaT Center for Human Genetics Tuebingen
Classification: Uncertain significance. Last evaluated: 2024-07-01. Review status: criteria provided, single submitter. Criteria: CeGaT Center For Human Genetics Tuebingen Variant Classification Criteria Version 2. Collection method: clinical testing. Allele origin: germline. Affected: yes. Observed: 2 variant alleles.
Comment: SPTB: PM2, BP4